The following is an entry in ClinVar:

NM_000492.4(CFTR):c.914T>G (p.Phe305Cys)

Gene: CFTR (CF transmembrane conductance regulator; plus strand). Cytogenetic location: 7q31.2.
Variant type: single nucleotide variant.
Coding change: c.914T>G on transcript NM_000492.4 (MANE Select); coding-DNA position 914, T replaced by G.
Protein change: p.Phe305Cys; replaces phenylalanine 305 with cysteine.
Molecular consequence: missense variant.
Genome position (GRCh38, 1-based): chr7:117,540,144, T>G. VCF-style: chr7-117540144-T-G. GRCh37 (hg19) VCF-style: chr7-117180198-T-G.
Other names: short protein forms F305C.
Identifiers: ClinVar variation 633156 (VCV000633156.6), dbSNP rs1562892143, ClinGen allele CA368978146.
Genomic context (GRCh38, chr7:117,540,144, plus strand): 5'-TTATTGTTTTTTATAGAACAGAACTGAAACTGACTCGGAAGGCAGCCTATGTGAGATACT[T>G]CAATAGCTCAGCCTTCTTCTTCTCAGGGTTCTTTGTGGTGTTTTTATCTGTGCTTCCCTA-3'
Protein context (NP_000483.3, residues 295-315): LTRKAAYVRY[Phe305Cys]NSSAFFFSGF

ClinVar aggregate classification (germline): Uncertain significance. Review status: criteria provided, multiple submitters, no conflicts (2 of 4 stars). 4 submissions from 4 submitters: Uncertain significance (3). 1 of the submissions does not count toward it. Last evaluated 2024-08-11.

Conditions:
Cystic fibrosis (CF). Also called: MUCOVISCIDOSIS. Identifiers: Orphanet 586, MedGen C0010674, MONDO:0009061, OMIM 219700. Disease mechanism: loss of function.

Allele frequency attached by ClinVar (database versions not stated): gnomAD exomes below 0.00001.
gnomAD v4.1: 4 of 1,613,690 alleles (0.00025%); highest among the groups gnomAD compares: Middle Eastern, 0.016%; no homozygotes.

Submissions (4):

Labcorp Genetics (formerly Invitae), Labcorp
Classification: Uncertain significance for Cystic fibrosis. Last evaluated: 2024-08-11. Review status: criteria provided, single submitter. Criteria: Invitae Variant Classification Sherloc (09022015). Collection method: clinical testing. Allele origin: germline.
Comment: This sequence change replaces phenylalanine, which is neutral and non-polar, with cysteine, which is neutral and slightly polar, at codon 305 of the CFTR protein (p.Phe305Cys). This variant is not present in population databases (gnomAD no frequency). This variant has not been reported in the literature in individuals affected with CFTR-related conditions. ClinVar contains an entry for this variant (Variation ID: 633156). Advanced modeling of protein sequence and biophysical properties (such as structural, functional, and spatial information, amino acid conservation, physicochemical variation, residue mobility, and thermodynamic stability) performed at Invitae indicates that this missense variant is not expected to disrupt CFTR protein function with a negative predictive value of 80%. In summary, the available evidence is currently insufficient to determine the role of this variant in disease. Therefore, it has been classified as a Variant of Uncertain Significance.

Ambry Genetics
Classification: Uncertain significance for Cystic fibrosis. Last evaluated: 2022-01-12. Review status: criteria provided, single submitter. Criteria: Ambry Variant Classification Scheme 2023. Collection method: clinical testing. Allele origin: germline.
Comment: The p.F305C variant (also known as c.914T>G), located in coding exon 8 of the CFTR gene, results from a T to G substitution at nucleotide position 914. The phenylalanine at codon 305 is replaced by cysteine, an amino acid with highly dissimilar properties. This amino acid position is conserved. In addition, the in silico prediction for this alteration is inconclusive. Since supporting evidence is limited at this time, the clinical significance of this alteration remains unclear.

Women's Health and Genetics/Laboratory Corporation of America, LabCorp
Classification: Uncertain significance. Last evaluated: 2018-08-15. Review status: criteria provided, single submitter. Criteria: LabCorp Variant Classification Summary - May 2015. Collection method: clinical testing. Allele origin: germline.
Comment: Variant summary: CFTR c.914T>G (p.Phe305Cys) results in a non-conservative amino acid change located in the ABC transporter type 1, transmembrane domain (IPR011527) of the encoded protein sequence. Four of five in-silico tools predict a damaging effect of the variant on protein function. The variant was absent in 245834 control chromosomes (gnomAD). The available data on variant occurrences in the general population are insufficient to allow any conclusion about variant significance. To our knowledge, no occurrence of c.914T>G in individuals affected with Chronic Pancreatitis Risk and no experimental evidence demonstrating its impact on protein function have been reported. No clinical diagnostic laboratories have submitted clinical-significance assessments for this variant to ClinVar after 2014. Based on the evidence outlined above, the variant was classified as uncertain significance.

Natera, Inc.
Classification: Uncertain significance for Cystic Fibrosis. Last evaluated: 2020-09-16. Review status: no assertion criteria provided. Collection method: clinical testing. Allele origin: germline. Not counted in ClinVar's aggregate classification.